The following is an entry in ClinVar:

ClinVar aggregate classification (germline): Pathogenic (1 of 4 stars; one submission).

Conditions:
Glycine encephalopathy. Also called: Non-ketotic hyperglycinemia; Nonketotic hyperglycinemia. Identifiers: Orphanet 407, MedGen C0751748, MONDO:0011612, HP:0008288.

Submission:

Labcorp Genetics (formerly Invitae), Labcorp
Classification: Pathogenic for Glycine encephalopathy. Last evaluated: 2021-02-01. Review status: criteria provided, single submitter. Criteria: Invitae Variant Classification Sherloc (09022015). Collection method: clinical testing. Allele origin: germline.
Comment: For these reasons, this variant has been classified as Pathogenic. The region of the GLDC gene that includes exon(s) 5 has been determined to be clinically significant (PMID: 27362913). Therefore, deletions that encompass that region are likely to disrupt protein function and cause disease. This variant has not been reported in the literature in individuals with GLDC-related conditions. This variant is a gross deletion of the genomic region encompassing exon(s) 5-7 of the GLDC gene. This variant would be expected to be in-frame, preserving the integrity of the reading frame.

Literature cited by the submitters: PubMed 27362913.

NC_000009.11:g.(?_6604578)_(6606679_?)del

Gene: GLDC (glycine decarboxylase; minus strand). Cytogenetic location: 9p24.1.
Variant type: Deletion.
Identifiers: ClinVar variation 1457933 (VCV001457933.9).